The following is an entry in ClinVar:

NM_000257.4(MYH7):c.3172G>T (p.Asp1058Tyr)

Gene: MYH7 (myosin heavy chain 7; minus strand). Cytogenetic location: 14q11.2.
Variant type: single nucleotide variant.
Coding change: c.3172G>T on transcript NM_000257.4 (MANE Select); coding-DNA position 3172, G replaced by T.
Protein change: p.Asp1058Tyr; replaces aspartic acid 1058 with tyrosine.
Molecular consequence: missense variant.
Genome position (GRCh38, 1-based): chr14:23,422,253, C>A on the plus strand (G>T on the coding strand, the complement: MYH7 is on the minus strand). VCF-style: chr14-23422253-C-A. GRCh37 (hg19) VCF-style: chr14-23891462-C-A.
Other names: p.D1058Y:GAC>TAC; c.3172G>T (LRG_384t1); short protein forms D1058Y.
Identifiers: ClinVar variation 181218 (VCV000181218.10), dbSNP rs730880770, ClinGen allele CA013452.

ClinVar aggregate classification (germline): Uncertain significance. Review status: criteria provided, multiple submitters, no conflicts (2 of 4 stars). 2 submissions from 2 submitters: Uncertain significance (2). Last evaluated 2023-01-15.

Conditions:
Hypertrophic cardiomyopathy. Also called: HYPERTROPHIC MYOCARDIOPATHY. Identifiers: Orphanet 217569, MedGen C0007194, MeSH D002312, MONDO:0005045, HP:0001639.

Submissions (2):

Labcorp Genetics (formerly Invitae), Labcorp
Classification: Uncertain significance for Hypertrophic cardiomyopathy. Last evaluated: 2023-01-15. Review status: criteria provided, single submitter. Criteria: Invitae Variant Classification Sherloc (09022015). Collection method: clinical testing. Allele origin: germline.
Comment: In summary, the available evidence is currently insufficient to determine the role of this variant in disease. Therefore, it has been classified as a Variant of Uncertain Significance. Advanced modeling of protein sequence and biophysical properties (such as structural, functional, and spatial information, amino acid conservation, physicochemical variation, residue mobility, and thermodynamic stability) performed at Invitae indicates that this missense variant is expected to disrupt MYH7 protein function. ClinVar contains an entry for this variant (Variation ID: 181218). This variant has not been reported in the literature in individuals affected with MYH7-related conditions. This variant is not present in population databases (gnomAD no frequency). This sequence change replaces aspartic acid, which is acidic and polar, with tyrosine, which is neutral and polar, at codon 1058 of the MYH7 protein (p.Asp1058Tyr).

GeneDx
Classification: Uncertain significance. Last evaluated: 2018-07-24. Review status: criteria provided, single submitter. Criteria: GeneDx Variant Classification (06012015). Collection method: clinical testing. Allele origin: germline. Affected: yes.
Comment: The D1058Y variant has not been published as a pathogenic variant, nor has it been reported as a benign polymorphism to our knowledge. The D1058Y variant was not observed in approximately 6,500 individuals of European and African American ancestry in the NHLBI Exome Sequencing Project, indicating it is not a common benign variant in these populations. The D1058Y variant is a semi-conservative amino acid substitution, which may impact secondary protein structure as these residues differ in some properties. Additionally, this substitution occurs at a position that is conserved across species and in silico analysis predicts this variant is probably damaging to the protein structure/function. Furthermore, missense variants in nearby residues (R1053Q, E1056D, G1057S, G1057D) have been reported in association with cardiomyopathy, supporting the functional importance of this region of the protein. Therefore, based on the currently available information, it is unclear whether this variant is a pathogenic variant or a rare benign variant.